The following is an entry in ClinVar:

ClinVar aggregate classification (germline): Benign/Likely benign. Review status: criteria provided, multiple submitters, no conflicts (2 of 4 stars). 14 submissions from 14 submitters: Benign (11); Likely benign (2). 1 of the submissions does not count toward it. Last evaluated 2026-02-03.

Conditions:
Becker muscular dystrophy (BMD). Also called: Becker Muscular Dystrophy (BMD); MUSCULAR DYSTROPHY, PSEUDOHYPERTROPHIC PROGRESSIVE, BECKER TYPE. Identifiers: Orphanet 98895, MedGen C0917713, MONDO:0010311, OMIM 300376.
Duchenne muscular dystrophy (DMD). Also called: Duchenne Muscular Dystrophy (DMD); MUSCULAR DYSTROPHY, PSEUDOHYPERTROPHIC PROGRESSIVE, DUCHENNE TYPE. Identifiers: Orphanet 98896, MedGen C0013264, MONDO:0010679, OMIM 310200.
Cardiomyopathy (CMYO). Also called: Cardiomyopathies. Identifiers: Orphanet 167848, MedGen C0878544, MONDO:0004994, HP:0001638. Inheritance: Various modes of inheritance.
Dystrophin deficiency.
Dilated cardiomyopathy 3B (CMD3B). Also called: CMD3B: DMD-Related Dilated Cardiomyopathy; CARDIOMYOPATHY, DILATED, X-LINKED; DMD-Associated Dilated Cardiomyopathy. Identifiers: Orphanet 154, MedGen C3668940, MONDO:0010542, OMIM 302045.
Cardiovascular phenotype. Identifiers: MedGen CN230736.
Hypertrophic cardiomyopathy. Also called: HYPERTROPHIC MYOCARDIOPATHY. Identifiers: Orphanet 217569, MedGen C0007194, MeSH D002312, MONDO:0005045, HP:0001639.

Allele frequency attached by ClinVar (database versions not stated): gnomAD exomes 0.00312; ExAC 0.00387; 1000 Genomes Project 0.00848; 1000 Genomes Project 30x 0.00895; gnomAD 0.00993 and 0.01079; TOPMed 0.01224; ESP Exome Variant Server 0.01326.
gnomAD v4.1: 2,334 of 1,209,415 alleles (0.19%); highest among the groups gnomAD compares: African/African-American, 3.5%; 26 homozygotes.

Submissions (14):

Labcorp Genetics (formerly Invitae), Labcorp
Classification: Benign for Duchenne muscular dystrophy. Last evaluated: 2026-02-03. Review status: criteria provided, single submitter. Criteria: Invitae Variant Classification Sherloc (09022015). Collection method: clinical testing. Allele origin: germline.

ARUP Laboratories, Molecular Genetics and Genomics, ARUP Laboratories
Classification: Benign. Last evaluated: 2025-07-22. Review status: criteria provided, single submitter. Criteria: ARUP Molecular Germline Variant Investigation Process 2024. Collection method: clinical testing. Allele origin: germline.

Molecular Diagnostic Laboratory for Inherited Cardiovascular Disease, Montreal Heart Institute
Classification: Likely benign. Last evaluated: 2025-04-09. Review status: criteria provided, single submitter. Criteria: ACMG Guidelines, 2015. Collection method: clinical testing. Allele origin: germline. Affected: no.

Athena Diagnostics
Classification: Benign. Last evaluated: 2024-05-07. Review status: criteria provided, single submitter. Criteria: Athena Diagnostics Criteria. Collection method: clinical testing. Allele origin: unknown.

Women's Health and Genetics/Laboratory Corporation of America, LabCorp
Classification: Likely benign. Last evaluated: 2023-04-10. Review status: criteria provided, single submitter. Criteria: LabCorp Variant Classification Summary - May 2015. Collection method: clinical testing. Allele origin: germline.

Mayo Clinic Laboratories, Mayo Clinic
Classification: Benign. Last evaluated: 2023-01-25. Review status: criteria provided, single submitter. Criteria: ACMG Guidelines, 2015. Collection method: clinical testing. Allele origin: germline. Observed: 18 variant alleles.
Comment: BS1, BS2, BP4

Center for Advanced Laboratory Medicine, UC San Diego Health, University of California San Diego
Classification: Benign for Hypertrophic cardiomyopathy. Last evaluated: 2019-06-03. Review status: criteria provided, single submitter. Criteria: ACMG Guidelines, 2015. Collection method: clinical testing. Allele origin: germline. Affected: yes. Observed: 1 variant allele.

Illumina Laboratory Services, Illumina
Classification: Benign for Dilated cardiomyopathy 3B. Last evaluated: 2018-01-13. Review status: criteria provided, single submitter. Criteria: ICSL Variant Classification Criteria 13 December 2019. Collection method: clinical testing. Allele origin: germline.
Comment: This variant was observed in the ICSL laboratory as part of a predisposition screen in an ostensibly healthy population. It had not been previously curated by ICSL or reported in the Human Gene Mutation Database (HGMD: prior to June 1st, 2018), and was therefore a candidate for classification through an automated scoring system. Utilizing variant allele frequency, disease prevalence and penetrance estimates, and inheritance mode, an automated score was calculated to assess if this variant is too frequent to cause the disease. Based on the score and internal cut-off values, a variant classified as benign is not then subjected to further curation. The score for this variant resulted in a classification of benign for this disease.

Eurofins Ntd Llc (ga)
Classification: Benign. Last evaluated: 2015-12-16. Review status: criteria provided, single submitter. Criteria: EGL Classification Definitions 2015. Collection method: clinical testing. Allele origin: germline. Observed: 13 variant alleles, 5 heterozygotes, 2 homozygotes, 6 hemizygotes.

Ambry Genetics
Classification: Benign for Cardiovascular phenotype. Last evaluated: 2015-11-12. Review status: criteria provided, single submitter. Criteria: Ambry Variant Classification Scheme 2023. Collection method: clinical testing. Allele origin: germline.

Laboratory for Molecular Medicine, Mass General Brigham Personalized Medicine
Classification: Benign. Last evaluated: 2015-01-13. Review status: criteria provided, single submitter. Criteria: LMM Criteria. Collection method: clinical testing. Allele origin: germline. Observed: 8 variant alleles.
Comment: p.Thr409Ser in exon 11 of DMD: This variant is not expected to have clinical sig nificance because it has been identified in 3.7% (140/3833) of African American chromosomes by the NHLBI Exome Sequencing Project (EVS/; dbSNP rs34155804).

GeneDx
Classification: Benign. Last evaluated: 2014-03-24. Review status: criteria provided, single submitter. Criteria: GeneDx Variant Classification (06012015). Collection method: clinical testing. Allele origin: germline. Affected: yes.
Comment: This variant is considered likely benign or benign based on one or more of the following criteria: it is a conservative change, it occurs at a poorly conserved position in the protein, it is predicted to be benign by multiple in silico algorithms, and/or has population frequency not consistent with disease.

PreventionGenetics, part of Exact Sciences
Classification: Benign. Review status: criteria provided, single submitter. Criteria: ACMG Guidelines, 2015. Collection method: clinical testing. Allele origin: germline.

Natera, Inc.
Classification: Likely benign for Becker muscular dystrophy; Cardiomyopathy; Duchenne muscular dystrophy; Dystrophin deficiency. Last evaluated: 2017-04-20. Review status: no assertion criteria provided. Collection method: clinical testing. Allele origin: germline. Not counted in ClinVar's aggregate classification.

Literature cited by the submitters: PubMed 19937601 (cited by Athena Diagnostics); PubMed 19959795 (cited by Athena Diagnostics).

NM_004006.3(DMD):c.1225A>T (p.Thr409Ser)

Gene: DMD (dystrophin; minus strand). Cytogenetic location: Xp21.1.
Variant type: single nucleotide variant.
Coding change: c.1225A>T on transcript NM_004006.3 (MANE Select); coding-DNA position 1225, A replaced by T.
Protein change: p.Thr409Ser; replaces threonine 409 with serine.
Molecular consequence: missense variant.
Genome position (GRCh38, 1-based): chrX:32,644,238, T>A on the plus strand (A>T on the coding strand, the complement: DMD is on the minus strand). VCF-style: chrX-32644238-T-A. GRCh37 (hg19) VCF-style: chrX-32662355-T-A.
Other names: p.T409S:ACA>TCA; c.1201A>T, p.Thr401Ser (NM_000109.4); c.1213A>T, p.Thr405Ser (NM_004009.3); c.856A>T, p.Thr286Ser (NM_004010.3); short protein forms T409S, T401S, T286S, T405S.
Identifiers: ClinVar variation 94453 (VCV000094453.43), dbSNP rs34155804, ClinGen allele CA285520.